The following is an entry in ClinVar:

ClinVar aggregate classification (germline): Uncertain significance (1 of 4 stars; one submission).

Conditions:
Familial thoracic aortic aneurysm and aortic dissection (TAAD). Also called: Thoracic aortic aneurysms and dissections. Identifiers: Orphanet 91387, MedGen C4707243, MONDO:0019625.

Allele frequency attached by ClinVar (database versions not stated): gnomAD exomes below 0.00001.
gnomAD v4.1: 1 of 1,613,872 alleles (0.000062%); highest among the groups gnomAD compares: Non-Finnish European, 0.000085%; no homozygotes.

Submission:

All of Us Research Program, National Institutes of Health
Classification: Uncertain significance for Familial thoracic aortic aneurysm and aortic dissection. Last evaluated: 2023-05-16. Review status: criteria provided, single submitter. Criteria: ACMG Guidelines, 2015. Collection method: clinical testing. Allele origin: germline. Inheritance: Autosomal dominant inheritance. Observed: 1 variant allele, 1 heterozygote.
Comment: This variant causes a G to A nucleotide substitution at the +3 position of intron 2 of the ACTA2 gene. To our knowledge, functional studies have not been reported for this variant. This variant has not been reported in individuals affected with cardiovascular disorders in the literature. This variant has not been identified in the general population by the Genome Aggregation Database (gnomAD). The available evidence is insufficient to determine the role of this variant in disease conclusively. Therefore, this variant is classified as a Variant of Uncertain Significance.

This study involves interpretation of variants in research participants for the purpose of population health screening. Participant phenotype was not available at the time of variant classification. Additional details can be found in publication PMID: 35346344, PMCID: PMC8962531

NM_001613.4(ACTA2):c.129+3G>A

Gene: ACTA2 (actin alpha 2, smooth muscle; minus strand). Cytogenetic location: 10q23.31.
Variant type: single nucleotide variant.
Coding change: c.129+3G>A on transcript NM_001613.4 (MANE Select); 3 bases into the intron after coding-DNA position 129, G replaced by A.
Molecular consequence: intron variant.
Genome position (GRCh38, 1-based): chr10:88,948,799, C>T on the plus strand (G>A on the coding strand, the complement: ACTA2 is on the minus strand). VCF-style: chr10-88948799-C-T. GRCh37 (hg19) VCF-style: chr10-90708556-C-T.
Other names: c.129+3G>A (NM_001406467.1, NM_001320855.2, NM_001406462.1 and 7 more transcripts).
Identifiers: ClinVar variation 3071247 (VCV003071247.1), dbSNP rs2494577843, ClinGen allele CA2610074952.